The following is an entry in ClinVar:

ClinVar aggregate classification (germline): Uncertain significance. Review status: criteria provided, multiple submitters, no conflicts (2 of 4 stars). 2 submissions from 2 submitters: Uncertain significance (2). Last evaluated 2025-08-08.

Allele frequency attached by ClinVar (database versions not stated): gnomAD 0.00001; gnomAD exomes 0.00002; TOPMed 0.00002; ExAC 0.00008.

Submissions (2):

Mayo Clinic Laboratories, Mayo Clinic
Classification: Uncertain significance. Last evaluated: 2025-08-08. Review status: criteria provided, single submitter. Criteria: ACMG Guidelines, 2015. Collection method: clinical testing. Allele origin: germline. Observed: 2 variant alleles.
Comment: BP4_moderate, PM2_supporting

Labcorp Genetics (formerly Invitae), Labcorp
Classification: Uncertain significance. Last evaluated: 2022-06-01. Review status: criteria provided, single submitter. Criteria: Invitae Variant Classification Sherloc (09022015). Collection method: clinical testing. Allele origin: germline.
Comment: This sequence change replaces valine, which is neutral and non-polar, with methionine, which is neutral and non-polar, at codon 194 of the SLC25A42 protein (p.Val194Met). This variant is present in population databases (rs773840865, gnomAD 0.04%). This variant has not been reported in the literature in individuals affected with SLC25A42-related conditions. ClinVar contains an entry for this variant (Variation ID: 1418039). Algorithms developed to predict the effect of missense changes on protein structure and function are either unavailable or do not agree on the potential impact of this missense change (SIFT: "Deleterious"; PolyPhen-2: "Benign"; Align-GVGD: "Class C0"). In summary, the available evidence is currently insufficient to determine the role of this variant in disease. Therefore, it has been classified as a Variant of Uncertain Significance.

NM_178526.5(SLC25A42):c.580G>A (p.Val194Met)

Gene: SLC25A42 (solute carrier family 25 member 42; plus strand). Cytogenetic location: 19p13.11.
Variant type: single nucleotide variant.
Coding change: c.580G>A on transcript NM_178526.5 (MANE Select); coding-DNA position 580, G replaced by A.
Protein change: p.Val194Met; replaces valine 194 with methionine.
Molecular consequence: missense variant.
Genome position (GRCh38, 1-based): chr19:19,107,976, G>A. VCF-style: chr19-19107976-G-A. GRCh37 (hg19) VCF-style: chr19-19218785-G-A.
Other names: p.Val194Met; c.580G>A, p.Val194Met (NM_001321544.2); short protein forms V194M.
Identifiers: ClinVar variation 1418039 (VCV001418039.8), dbSNP rs773840865, ClinGen allele CA9321538.